The following is an entry in ClinVar:

ClinVar aggregate classification (germline): Uncertain significance (1 of 4 stars; one submission).

Conditions:
Werner syndrome (WRN). Identifiers: Orphanet 902, MedGen C0043119, MONDO:0010196, OMIM 277700.

Submission:

Labcorp Genetics (formerly Invitae), Labcorp
Classification: Uncertain significance for Werner syndrome. Last evaluated: 2019-08-02. Review status: criteria provided, single submitter. Criteria: Invitae Variant Classification Sherloc (09022015). Collection method: clinical testing. Allele origin: germline.
Comment: This variant has not been reported in the literature in individuals with WRN-related conditions. This variant is not present in population databases (ExAC no frequency). This sequence change replaces methionine with valine at codon 602 of the WRN protein (p.Met602Val). The methionine residue is highly conserved and there is a small physicochemical difference between methionine and valine. In summary, the available evidence is currently insufficient to determine the role of this variant in disease. Therefore, it has been classified as a Variant of Uncertain Significance. Algorithms developed to predict the effect of missense changes on protein structure and function are either unavailable or do not agree on the potential impact of this missense change (SIFT: "Deleterious"; PolyPhen-2: "Probably Damaging"; Align-GVGD: "Class C15").

NM_000553.6(WRN):c.1804A>G (p.Met602Val)

Gene: WRN (WRN RecQ like helicase; plus strand). Cytogenetic location: 8p12.
Variant type: single nucleotide variant.
Coding change: c.1804A>G on transcript NM_000553.6 (MANE Select); coding-DNA position 1804, A replaced by G.
Protein change: p.Met602Val; replaces methionine 602 with valine.
Molecular consequence: missense variant.
Genome position (GRCh38, 1-based): chr8:31,090,917, A>G. VCF-style: chr8-31090917-A-G. GRCh37 (hg19) VCF-style: chr8-30948433-A-G.
Other names: short protein forms M602V.
Identifiers: ClinVar variation 955691 (VCV000955691.5), dbSNP rs1343522586, ClinGen allele CA370928104.
Genomic context (GRCh38, chr8:31,090,917, plus strand): 5'-CAGTATCCACCTGTTTATGTAGGCAAGATTGGCCTTGTTATCTCTCCCCTTATTTCTCTG[A>G]TGGAAGACCAAGTGCTACAGCTTAAGTAAGTCATGTTATCATTGCCACAATATCACCCTC-3'
Protein context (NP_000544.2, residues 592-612): GLVISPLISL[Met602Val]EDQVLQLKMS